The following is an entry in ClinVar:

ClinVar aggregate classification (germline): Uncertain significance. Review status: criteria provided, multiple submitters, no conflicts (2 of 4 stars). 3 submissions from 3 submitters: Uncertain significance (3). Last evaluated 2024-10-15.

Conditions:
RASopathy. Also called: Noonan spectrum disorder; rasopathies. Identifiers: Orphanet 536391, MedGen C5555857, MONDO:0021060.

Allele frequency attached by ClinVar (database versions not stated): ExAC 0.00001; gnomAD 0.00001; gnomAD exomes 0.00001; TOPMed 0.00001.
gnomAD v4.1: 14 of 1,609,018 alleles (0.00087%); highest among the groups gnomAD compares: Non-Finnish European, 0.0011%; no homozygotes.

Submissions (3):

Labcorp Genetics (formerly Invitae), Labcorp
Classification: Uncertain significance for RASopathy. Last evaluated: 2024-10-15. Review status: criteria provided, single submitter. Criteria: Invitae Variant Classification Sherloc (09022015). Collection method: clinical testing. Allele origin: germline.
Comment: This sequence change replaces leucine, which is neutral and non-polar, with isoleucine, which is neutral and non-polar, at codon 473 of the SHOC2 protein (p.Leu473Ile). This variant is present in population databases (rs767686810, gnomAD 0.002%). This variant has not been reported in the literature in individuals affected with SHOC2-related conditions. ClinVar contains an entry for this variant (Variation ID: 1313053). Invitae Evidence Modeling of protein sequence and biophysical properties (such as structural, functional, and spatial information, amino acid conservation, physicochemical variation, residue mobility, and thermodynamic stability) indicates that this missense variant is expected to disrupt SHOC2 protein function with a positive predictive value of 80%. In summary, the available evidence is currently insufficient to determine the role of this variant in disease. Therefore, it has been classified as a Variant of Uncertain Significance.

CeGaT Center for Human Genetics Tuebingen
Classification: Uncertain significance. Last evaluated: 2023-12-01. Review status: criteria provided, single submitter. Criteria: CeGaT Center For Human Genetics Tuebingen Variant Classification Criteria Version 2. Collection method: clinical testing. Allele origin: germline. Affected: yes. Observed: 1 variant allele.
Comment: SHOC2: PM2, PP3

GeneDx
Classification: Uncertain significance. Last evaluated: 2020-11-25. Review status: criteria provided, single submitter. Criteria: GeneDx Variant Classification Process June 2021. Collection method: clinical testing. Allele origin: germline. Affected: yes.
Comment: In silico analysis, which includes protein predictors and evolutionary conservation, supports that this variant does not alter protein structure/function; Has not been previously published as pathogenic or benign to our knowledge

NM_007373.4(SHOC2):c.1417T>A (p.Leu473Ile)

Gene: SHOC2 (SHOC2 leucine rich repeat scaffold protein; plus strand). Cytogenetic location: 10q25.2.
Variant type: single nucleotide variant.
Coding change: c.1417T>A on transcript NM_007373.4 (MANE Select); coding-DNA position 1417, T replaced by A.
Protein change: p.Leu473Ile; replaces leucine 473 with isoleucine.
Molecular consequence: missense variant. On other transcripts: non-coding transcript variant (1).
Genome position (GRCh38, 1-based): chr10:111,009,380, T>A. VCF-style: chr10-111009380-T-A. GRCh37 (hg19) VCF-style: chr10-112769138-T-A.
Other names: c.1279T>A, p.Leu427Ile (NM_001269039.3); c.1417T>A, p.Leu473Ile (NM_001324336.2, NM_001324337.2); short protein forms L427I, L473I.
Identifiers: ClinVar variation 1313053 (VCV001313053.29), dbSNP rs767686810, ClinGen allele CA5689763.